The following is an entry in ClinVar:

ClinVar aggregate classification (germline): Pathogenic (1 of 4 stars; one submission).

Conditions:
Maple syrup urine disease (MSUD). Identifiers: Orphanet 511, MedGen C0024776, MeSH D008375, MONDO:0009563. Disease mechanism: loss of function.

Submission:

Labcorp Genetics (formerly Invitae), Labcorp
Classification: Pathogenic for Maple syrup urine disease. Last evaluated: 2022-06-12. Review status: criteria provided, single submitter. Criteria: Invitae Variant Classification Sherloc (09022015). Collection method: clinical testing. Allele origin: germline.
Comment: A gross deletion of the genomic region encompassing the full coding sequence of the BCKDHB gene has been identified. Loss-of-function variants in BCKDHB are known to be pathogenic (PMID: 16786533, 22593002). The boundaries of this event are unknown as they extend beyond the assayed region for this gene and therefore may encompass additional genes. A similar copy number variant has been observed in individual(s) with maple syrup urine disease (PMID: 29740478). For these reasons, this variant has been classified as Pathogenic.

Literature cited by the submitters: PubMed 16786533; PubMed 22593002; PubMed 29740478.

NC_000006.11:g.(?_80816411)_(81053521_?)del

Gene: BCKDHB (branched chain keto acid dehydrogenase E1 subunit beta; plus strand). Cytogenetic location: 6q14.1.
Variant type: Deletion.
Identifiers: ClinVar variation 2427615 (VCV002427615.3).